The following is an entry in ClinVar:

ClinVar aggregate classification (germline): Uncertain significance (1 of 4 stars; one submission).

Conditions:
Inborn genetic diseases. Identifiers: MedGen C0950123, MeSH D030342.

Allele frequency attached by ClinVar (database versions not stated): gnomAD 0.00001; TOPMed 0.00002.

Submission:

Ambry Genetics
Classification: Uncertain significance for Inborn genetic diseases. Last evaluated: 2021-02-26. Review status: criteria provided, single submitter. Criteria: Ambry Variant Classification Scheme 2023. Collection method: clinical testing. Allele origin: germline.
Comment: The c.854A>G (p.Q285R) alteration is located in exon 7 (coding exon 7) of the FLT4 gene. This alteration results from an A to G substitution at nucleotide position 854, causing the glutamine (Q) at amino acid position 285 to be replaced by an arginine (R). Based on data from the Genome Aggregation Database (gnomAD) database, the FLT4 c.854A>G alteration was observed in 0.003% (1/31,380) of total alleles studied. The p.Q285 amino acid is not conserved in available vertebrate species. The p.Q285R alteration is predicted to be tolerated by in silico analysis. Based on insufficient or conflicting evidence, the clinical significance of this alteration remains unclear.

NM_182925.5(FLT4):c.854A>G (p.Gln285Arg)

Gene: FLT4 (fms related receptor tyrosine kinase 4; minus strand). Cytogenetic location: 5q35.3.
Variant type: single nucleotide variant.
Coding change: c.854A>G on transcript NM_182925.5 (MANE Select); coding-DNA position 854, A replaced by G.
Protein change: p.Gln285Arg; replaces glutamine 285 with arginine.
Molecular consequence: missense variant.
Genome position (GRCh38, 1-based): chr5:180,629,390, T>C on the plus strand (A>G on the coding strand, the complement: FLT4 is on the minus strand). VCF-style: chr5-180629390-T-C. GRCh37 (hg19) VCF-style: chr5-180056390-T-C.
Other names: c.854A>G, p.Gln285Arg (NM_001354989.2, NM_002020.5); short protein forms Q285R.
Identifiers: ClinVar variation 2229256 (VCV002229256.2), dbSNP rs1168945372, ClinGen allele CA362505681.